The following is an entry in ClinVar:

ClinVar aggregate classification (germline): Uncertain significance. Review status: criteria provided, multiple submitters, no conflicts (2 of 4 stars). 3 submissions from 3 submitters: Uncertain significance (3). Last evaluated 2025-04-11.

Conditions:
Cone-rod dystrophy 7 (CORD7). Identifiers: Orphanet 1872, MedGen C1863634, MONDO:0011355, OMIM 603649.

Allele frequency attached by ClinVar (database versions not stated): gnomAD 0.00002 and 0.00001; gnomAD exomes 0.00003; TOPMed 0.00002; ExAC 0.00003.
gnomAD v4.1: 40 of 1,613,534 alleles (0.0025%); highest among the groups gnomAD compares: Non-Finnish European, 0.0031%; no homozygotes.

Submissions (3):

Ambry Genetics
Classification: Uncertain significance. Last evaluated: 2025-04-11. Review status: criteria provided, single submitter. Criteria: Ambry Variant Classification Scheme 2023. Collection method: clinical testing. Allele origin: germline.

Labcorp Genetics (formerly Invitae), Labcorp
Classification: Uncertain significance. Last evaluated: 2024-02-17. Review status: criteria provided, single submitter. Criteria: Invitae Variant Classification Sherloc (09022015). Collection method: clinical testing. Allele origin: germline.
Comment: This sequence change replaces alanine, which is neutral and non-polar, with threonine, which is neutral and polar, at codon 1197 of the RIMS1 protein (p.Ala1197Thr). This variant is present in population databases (rs770686490, gnomAD 0.007%). This variant has not been reported in the literature in individuals affected with RIMS1-related conditions. ClinVar contains an entry for this variant (Variation ID: 911361). An algorithm developed to predict the effect of missense changes on protein structure and function (PolyPhen-2) suggests that this variant is likely to be tolerated. In summary, the available evidence is currently insufficient to determine the role of this variant in disease. Therefore, it has been classified as a Variant of Uncertain Significance.

Illumina Laboratory Services, Illumina
Classification: Uncertain significance for Cone-rod dystrophy 7. Last evaluated: 2018-01-13. Review status: criteria provided, single submitter. Criteria: ICSL Variant Classification Criteria 13 December 2019. Collection method: clinical testing. Allele origin: germline.

NM_014989.7(RIMS1):c.3589G>A (p.Ala1197Thr)

Gene: RIMS1 (regulating synaptic membrane exocytosis 1; plus strand). Cytogenetic location: 6q13.
Variant type: single nucleotide variant.
Coding change: c.3589G>A on transcript NM_014989.7 (MANE Select); coding-DNA position 3589, G replaced by A.
Protein change: p.Ala1197Thr; replaces alanine 1197 with threonine.
Molecular consequence: missense variant. On other transcripts: intron variant (56).
Genome position (GRCh38, 1-based): chr6:72,290,713, G>A. VCF-style: chr6-72290713-G-A. GRCh37 (hg19) VCF-style: chr6-73000416-G-A.
Other names: c.3589G>A (NM_014989.4); c.1663G>A, p.Ala555Thr (NM_001350420.2); c.1645G>A, p.Ala549Thr (NM_001350431.2); c.1732G>A, p.Ala578Thr (NM_001350438.2, NM_001350456.2); c.1735G>A, p.Ala579Thr (NM_001350442.2, NM_001350446.2); c.1594G>A, p.Ala532Thr (NM_001350462.2); c.1632-1221G>A (NM_001350428.2); c.1560-1221G>A (NM_001350459.2, NM_001350424.2); and 32 more; short protein forms A555T, A1197T, A532T, A549T, A578T, A579T.
Identifiers: ClinVar variation 911361 (VCV000911361.13), dbSNP rs770686490, ClinGen allele CA3886300.